The following is an entry in ClinVar:

NM_001303256.3(MORC2):c.2893T>A (p.Tyr965Asn)

Gene: MORC2 (MORC family CW-type zinc finger 2; minus strand). Cytogenetic location: 22q12.2.
Variant type: single nucleotide variant.
Coding change: c.2893T>A on transcript NM_001303256.3 (MANE Select); coding-DNA position 2893, T replaced by A.
Protein change: p.Tyr965Asn; replaces tyrosine 965 with asparagine.
Molecular consequence: missense variant.
Genome position (GRCh38, 1-based): chr22:30,928,156, A>T on the plus strand (T>A on the coding strand, the complement: MORC2 is on the minus strand). VCF-style: chr22-30928156-A-T. GRCh37 (hg19) VCF-style: chr22-31324143-A-T.
Other names: c.2893T>A, p.Tyr965Asn (NM_001303257.2); c.2707T>A, p.Tyr903Asn (NM_014941.3); short protein forms Y965N, Y903N.
Identifiers: ClinVar variation 3637767 (VCV003637767.2).
Genomic context (GRCh38, chr22:30,928,156, plus strand): 5'-TCTCGGAGGTGCGCAGGCTTTCCTCGGAGGCCTTGGCCCGGGAGTCAGCACGGCTCTGGT[A>T]GGAATTGCACAGGTTTTGGAGCCCTACTTCATATTGCTTGAAGTACTCCTTCTGTTGGGA-3'
Protein context (NP_001290185.1, residues 955-975): EVGLQNLCNS[Tyr965Asn]QSRADSRAKA

ClinVar aggregate classification (germline): Uncertain significance (1 of 4 stars; one submission).

Conditions:
Charcot-Marie-Tooth disease axonal type 2Z. Also called: CHARCOT-MARIE-TOOTH DISEASE, AXONAL, AUTOSOMAL DOMINANT, TYPE 2Z; CHARCOT-MARIE-TOOTH NEUROPATHY, TYPE 2Z. Identifiers: Orphanet 466768, MedGen C5569025, MONDO:0014736, OMIM 616688.

Submission:

Labcorp Genetics (formerly Invitae), Labcorp
Classification: Uncertain significance for Charcot-Marie-Tooth disease axonal type 2Z. Last evaluated: 2024-06-22. Review status: criteria provided, single submitter. Criteria: Invitae Variant Classification Sherloc (09022015). Collection method: clinical testing. Allele origin: germline.
Comment: This sequence change replaces tyrosine, which is neutral and polar, with asparagine, which is neutral and polar, at codon 965 of the MORC2 protein (p.Tyr965Asn). This variant is not present in population databases (gnomAD no frequency). This variant has not been reported in the literature in individuals affected with MORC2-related conditions. Advanced modeling of protein sequence and biophysical properties (such as structural, functional, and spatial information, amino acid conservation, physicochemical variation, residue mobility, and thermodynamic stability) has been performed at Invitae for this missense variant, however the output from this modeling did not meet the statistical confidence thresholds required to predict the impact of this variant on MORC2 protein function. In summary, the available evidence is currently insufficient to determine the role of this variant in disease. Therefore, it has been classified as a Variant of Uncertain Significance.